The following is an entry in ClinVar:

ClinVar aggregate classification (germline): Uncertain significance (1 of 4 stars; one submission).

Submission:

Labcorp Genetics (formerly Invitae), Labcorp
Classification: Uncertain significance. Last evaluated: 2024-10-29. Review status: criteria provided, single submitter. Criteria: Invitae Variant Classification Sherloc (09022015). Collection method: clinical testing. Allele origin: germline.
Comment: This sequence change replaces lysine, which is basic and polar, with asparagine, which is neutral and polar, at codon 1393 of the USH2A protein (p.Lys1393Asn). This variant is not present in population databases (gnomAD no frequency). This variant has not been reported in the literature in individuals affected with USH2A-related conditions. ClinVar contains an entry for this variant (Variation ID: 1506496). Invitae Evidence Modeling of protein sequence and biophysical properties (such as structural, functional, and spatial information, amino acid conservation, physicochemical variation, residue mobility, and thermodynamic stability) indicates that this missense variant is not expected to disrupt USH2A protein function with a negative predictive value of 95%. In summary, the available evidence is currently insufficient to determine the role of this variant in disease. Therefore, it has been classified as a Variant of Uncertain Significance.

NM_206933.4(USH2A):c.4179A>C (p.Lys1393Asn)

Genes: USH2A (usherin; minus strand), USH2A-AS1 (USH2A antisense RNA 1; plus strand). Cytogenetic location: 1q41.
Variant type: single nucleotide variant.
Coding change: c.4179A>C on transcript NM_206933.4 (MANE Select); coding-DNA position 4179, A replaced by C.
Protein change: p.Lys1393Asn; replaces lysine 1393 with asparagine.
Molecular consequence: missense variant.
Genome position (GRCh38, 1-based): chr1:216,196,625, T>G on the plus strand (A>C on the coding strand, the complement: USH2A is on the minus strand). VCF-style: chr1-216196625-T-G. GRCh37 (hg19) VCF-style: chr1-216369967-T-G.
Other names: c.4179A>C, p.Lys1393Asn (NM_007123.6); short protein forms K1393N.
Identifiers: ClinVar variation 1506496 (VCV001506496.8), dbSNP rs2102460456, ClinGen allele CA344866380.
Genomic context (GRCh38, chr1:216,196,625, plus strand): 5'-CATGGGAATAGACTGTTGAGGTGATTGTTCAGAAAGCATATTGATGTCATACCCCACAAC[T>G]TTTCCTCTTGTAACATTATCTGCTGGCTTCTCCCAGGAGATATTGAGAGAGTACGAAGAG-3'
Protein context (NP_996816.3, residues 1383-1403): EKPADNVTRG[Lys1393Asn]VVGYDINMLS